The following is an entry in ClinVar:

NM_001042603.3(KDM5A):c.4270C>T (p.Pro1424Ser)

Gene: KDM5A (lysine demethylase 5A; minus strand). Cytogenetic location: 12p13.33.
Variant type: single nucleotide variant.
Coding change: c.4270C>T on transcript NM_001042603.3 (MANE Select); coding-DNA position 4270, C replaced by T.
Protein change: p.Pro1424Ser; replaces proline 1424 with serine.
Molecular consequence: missense variant.
Genome position (GRCh38, 1-based): chr12:295,758, G>A on the plus strand (C>T on the coding strand, the complement: KDM5A is on the minus strand). VCF-style: chr12-295758-G-A. GRCh37 (hg19) VCF-style: chr12-404924-G-A.
Other names: short protein forms P1424S.
Identifiers: ClinVar variation 2836811 (VCV002836811.3), dbSNP rs772244111, ClinGen allele CA6378595.

ClinVar aggregate classification (germline): Uncertain significance (1 of 4 stars; one submission).

Allele frequency attached by ClinVar (database versions not stated): gnomAD exomes below 0.00001; ExAC 0.00001.
gnomAD v4.1: 1 of 1,613,834 alleles (0.000062%); highest among the groups gnomAD compares: Non-Finnish European, 0.000085%; no homozygotes.

Submission:

Labcorp Genetics (formerly Invitae), Labcorp
Classification: Uncertain significance. Last evaluated: 2023-03-14. Review status: criteria provided, single submitter. Criteria: Invitae Variant Classification Sherloc (09022015). Collection method: clinical testing. Allele origin: germline.
Comment: In summary, the available evidence is currently insufficient to determine the role of this variant in disease. Therefore, it has been classified as a Variant of Uncertain Significance. Algorithms developed to predict the effect of missense changes on protein structure and function are either unavailable or do not agree on the potential impact of this missense change (SIFT: "Deleterious"; PolyPhen-2: "Benign"; Align-GVGD: "Class C0"). This variant has not been reported in the literature in individuals affected with KDM5A-related conditions. This variant is present in population databases (rs772244111, gnomAD 0.0009%). This sequence change replaces proline, which is neutral and non-polar, with serine, which is neutral and polar, at codon 1424 of the KDM5A protein (p.Pro1424Ser).